The following is an entry in ClinVar:

NM_000238.4(KCNH2):c.2351G>C (p.Arg784Pro)

Gene: KCNH2 (potassium voltage-gated channel subfamily H member 2; minus strand). Cytogenetic location: 7q36.1.
Variant type: single nucleotide variant.
Coding change: c.2351G>C on transcript NM_000238.4 (MANE Select); coding-DNA position 2351, G replaced by C.
Protein change: p.Arg784Pro; replaces arginine 784 with proline.
Molecular consequence: missense variant.
Genome position (GRCh38, 1-based): chr7:150,950,215, C>G on the plus strand (G>C on the coding strand, the complement: KCNH2 is on the minus strand). VCF-style: chr7-150950215-C-G. GRCh37 (hg19) VCF-style: chr7-150647303-C-G.
Other names: c.1331G>C, p.Arg444Pro (NM_001204798.2, NM_172057.3); c.2063G>C, p.Arg688Pro (NM_001406753.1, NM_001406756.1); c.2174G>C, p.Arg725Pro (NM_001406755.1); c.2051G>C, p.Arg684Pro (NM_001406757.1); c.2351G>C, p.Arg784Pro (NM_172056.3); short protein forms R444P, R784P, R688P, R725P, R684P.
Identifiers: ClinVar variation 1790023 (VCV001790023.8), dbSNP rs149588350, ClinGen allele CA369856062.

ClinVar aggregate classification (germline): Uncertain significance. Review status: criteria provided, multiple submitters, no conflicts (2 of 4 stars). 3 submissions from 3 submitters: Uncertain significance (3). Last evaluated 2022-03-16.

Conditions:
Long QT syndrome (LQTS). Identifiers: MedGen C0023976, MeSH D008133, MONDO:0002442. Disease mechanism: loss of function. Inheritance: Various modes of inheritance.
Cardiovascular phenotype. Identifiers: MedGen CN230736.

Submissions (3):

Labcorp Genetics (formerly Invitae), Labcorp
Classification: Uncertain significance for Long QT syndrome. Last evaluated: 2022-03-16. Review status: criteria provided, single submitter. Criteria: Invitae Variant Classification Sherloc (09022015). Collection method: clinical testing. Allele origin: germline.
Comment: In summary, the available evidence is currently insufficient to determine the role of this variant in disease. Therefore, it has been classified as a Variant of Uncertain Significance. Algorithms developed to predict the effect of missense changes on protein structure and function are either unavailable or do not agree on the potential impact of this missense change (SIFT: "Deleterious"; PolyPhen-2: "Probably Damaging"; Align-GVGD: "Class C0"). This variant has not been reported in the literature in individuals affected with KCNH2-related conditions. This variant is not present in population databases (gnomAD no frequency). This sequence change replaces arginine, which is basic and polar, with proline, which is neutral and non-polar, at codon 784 of the KCNH2 protein (p.Arg784Pro).

Blueprint Genetics
Classification: Uncertain significance. Last evaluated: 2021-06-15. Review status: criteria provided, single submitter. Criteria: ACMG Guidelines, 2015. Collection method: clinical testing. Allele origin: germline.

Ambry Genetics
Classification: Uncertain significance for Cardiovascular phenotype. Last evaluated: 2018-02-09. Review status: criteria provided, single submitter. Criteria: Ambry Variant Classification Scheme 2023. Collection method: clinical testing. Allele origin: germline.
Comment: The p.R784P variant (also known as c.2351G>C), located in coding exon 9 of the KCNH2 gene, results from a G to C substitution at nucleotide position 2351. The arginine at codon 784 is replaced by proline, an amino acid with dissimilar properties. This amino acid position is highly conserved in available vertebrate species. In addition, this alteration is predicted to be deleterious by in silico analysis. Since supporting evidence is limited at this time, the clinical significance of this alteration remains unclear.